The following is an entry in ClinVar:

ClinVar aggregate classification (germline): Uncertain significance (0 of 4 stars; one submission).

Conditions:
BIRC6-related disorder. Also called: BIRC6-related condition.

Allele frequency attached by ClinVar (database versions not stated): gnomAD 0.00001; TOPMed 0.00001.
gnomAD v4.1: 1 of 1,552,232 alleles (0.000064%); highest among the groups gnomAD compares: Admixed American, 0.002%; no homozygotes.

Submission:

PreventionGenetics, part of Exact Sciences
Classification: Uncertain significance for BIRC6-related condition. Last evaluated: 2024-02-18. Review status: no assertion criteria provided. Collection method: clinical testing. Allele origin: germline.
Comment: The BIRC6 c.3494C>G variant is predicted to result in premature protein termination (p.Ser1165*). To our knowledge, this variant has not been reported in the literature or in a large population database, indicating this variant is rare. At this time, the clinical significance of this variant is uncertain due to the absence of conclusive functional and genetic evidence.

NM_016252.4(BIRC6):c.3494C>G (p.Ser1165Ter)

Gene: BIRC6 (baculoviral IAP repeat containing 6; plus strand). Cytogenetic location: 2p22.3.
Variant type: single nucleotide variant.
Coding change: c.3494C>G on transcript NM_016252.4 (MANE Select); coding-DNA position 3494, C replaced by G.
Protein change: p.Ser1165Ter; replaces serine 1165 with a stop codon.
Molecular consequence: nonsense.
Genome position (GRCh38, 1-based): chr2:32,435,580, C>G. VCF-style: chr2-32435580-C-G. GRCh37 (hg19) VCF-style: chr2-32660648-C-G.
Other names: c.3452C>G, p.Ser1151Ter (NM_001378125.1); short protein forms S1151*, S1165*.
Identifiers: ClinVar variation 3034092 (VCV003034092.2), dbSNP rs2044605704, ClinGen allele CA346521961.